The following is an entry in ClinVar:

NM_144736.5(NDUFAF7):c.716A>G (p.Asp239Gly)

Gene: NDUFAF7 (NADH:ubiquinone oxidoreductase complex assembly factor 7; plus strand). Cytogenetic location: 2p22.2.
Variant type: single nucleotide variant.
Coding change: c.716A>G on transcript NM_144736.5 (MANE Select); coding-DNA position 716, A replaced by G.
Protein change: p.Asp239Gly; replaces aspartic acid 239 with glycine.
Molecular consequence: missense variant. On other transcripts: non-coding transcript variant (10).
Genome position (GRCh38, 1-based): chr2:37,243,897, A>G. VCF-style: chr2-37243897-A-G. GRCh37 (hg19) VCF-style: chr2-37471040-A-G.
Other names: c.716A>G, p.Asp239Gly (NM_001350024.2); c.635A>G, p.Asp212Gly (NM_001350025.2); c.422A>G, p.Asp141Gly (NM_001083946.2); c.503A>G, p.Asp168Gly (NM_001350027.2); short protein forms D141G, D168G, D212G, D239G.
Identifiers: ClinVar variation 3621083 (VCV003621083.2).

ClinVar aggregate classification (germline): Uncertain significance (1 of 4 stars; one submission).

gnomAD v4.1: 9 of 1,613,958 alleles (0.00056%); highest among the groups gnomAD compares: Non-Finnish European, 0.00076%; no homozygotes.

Submission:

Labcorp Genetics (formerly Invitae), Labcorp
Classification: Uncertain significance. Last evaluated: 2024-07-13. Review status: criteria provided, single submitter. Criteria: Invitae Variant Classification Sherloc (09022015). Collection method: clinical testing. Allele origin: germline.
Comment: This sequence change replaces aspartic acid, which is acidic and polar, with glycine, which is neutral and non-polar, at codon 141 of the NDUFAF7 protein (p.Asp141Gly). This variant is present in population databases (no rsID available, gnomAD 0.002%). This variant has not been reported in the literature in individuals affected with NDUFAF7-related conditions. An algorithm developed to predict the effect of missense changes on protein structure and function (PolyPhen-2) suggests that this variant is likely to be disruptive. In summary, the available evidence is currently insufficient to determine the role of this variant in disease. Therefore, it has been classified as a Variant of Uncertain Significance.